The following is an entry in ClinVar:

NM_000188.3(HK1):c.1433A>G (p.His478Arg)

Gene: HK1 (hexokinase 1; plus strand). Cytogenetic location: 10q22.1.
Variant type: single nucleotide variant.
Coding change: c.1433A>G on transcript NM_000188.3 (MANE Select); coding-DNA position 1433, A replaced by G.
Protein change: p.His478Arg; replaces histidine 478 with arginine.
Molecular consequence: missense variant.
Genome position (GRCh38, 1-based): chr10:69,382,654, A>G. VCF-style: chr10-69382654-A-G. GRCh37 (hg19) VCF-style: chr10-71142410-A-G.
Other names: c.1445A>G, p.His482Arg (NM_001322364.2, NM_001358263.1, NM_033497.3 and 1 more transcripts); c.1538A>G, p.His513Arg (NM_001322365.2); c.1349A>G, p.His450Arg (NM_001322366.1); c.1337A>G, p.His446Arg (NM_001322367.1); c.1430A>G, p.His477Arg (NM_033496.3); c.1397A>G, p.His466Arg (NM_033500.2); short protein forms H446R, H450R, H482R, H513R, H466R, H477R, H478R.
Identifiers: ClinVar variation 935955 (VCV000935955.26), dbSNP rs144282713, ClinGen allele CA5532601.

ClinVar aggregate classification (germline): Conflicting classifications of pathogenicity. Review status: criteria provided, conflicting classifications (1 of 4 stars). 6 submissions from 6 submitters: Uncertain significance (5); Likely benign (1). Last evaluated 2026-03-10.

Conditions:
HK1-related disorder. Also called: HK1-related disorders; HK1-related condition.

Allele frequency attached by ClinVar (database versions not stated): ExAC 0.00020; gnomAD 0.00021 and 0.00019; TOPMed 0.00015; gnomAD exomes 0.00018; ESP Exome Variant Server 0.00023.
gnomAD v4.1: 402 of 1,613,920 alleles (0.025%); highest among the groups gnomAD compares: Non-Finnish European, 0.032%; no homozygotes.

Submissions (6):

PreventionGenetics, part of Exact Sciences
Classification: Uncertain significance for HK1-related condition. Last evaluated: 2026-03-10. Review status: criteria provided, single submitter. Criteria: ACMG Guidelines, 2015. Collection method: clinical testing. Allele origin: germline.
Comment: The HK1 c.1433A>G variant is predicted to result in the amino acid substitution p.His478Arg. To our knowledge, this variant has not been reported in the literature. This variant is reported in 0.037% of alleles in individuals of European (Non-Finnish) descent in gnomAD. At this time, the clinical significance of this variant is uncertain due to the absence of conclusive functional and genetic evidence.

Labcorp Genetics (formerly Invitae), Labcorp
Classification: Uncertain significance. Last evaluated: 2025-10-28. Review status: criteria provided, single submitter. Criteria: Invitae Variant Classification Sherloc (09022015). Collection method: clinical testing. Allele origin: germline.
Comment: This sequence change replaces histidine, which is basic and polar, with arginine, which is basic and polar, at codon 478 of the HK1 protein (p.His478Arg). This variant is present in population databases (rs144282713, gnomAD 0.04%). This variant has not been reported in the literature in individuals affected with HK1-related conditions. ClinVar contains an entry for this variant (Variation ID: 935955). Invitae Evidence Modeling of protein sequence and biophysical properties (such as structural, functional, and spatial information, amino acid conservation, physicochemical variation, residue mobility, and thermodynamic stability) indicates that this missense variant is not expected to disrupt HK1 protein function with a negative predictive value of 80%. In summary, the available evidence is currently insufficient to determine the role of this variant in disease. Therefore, it has been classified as a Variant of Uncertain Significance.

Mayo Clinic Laboratories, Mayo Clinic
Classification: Uncertain significance. Last evaluated: 2025-05-20. Review status: criteria provided, single submitter. Criteria: ACMG Guidelines, 2015. Collection method: clinical testing. Allele origin: germline. Observed: 2 variant alleles.
Comment: BP4

Blueprint Genetics
Classification: Likely benign. Last evaluated: 2024-10-17. Review status: criteria provided, single submitter. Criteria: ACMG Guidelines, 2015. Collection method: clinical testing. Allele origin: germline.

Revvity Omics, Revvity
Classification: Uncertain significance. Last evaluated: 2024-05-06. Review status: criteria provided, single submitter. Criteria: ACMG Guidelines, 2015. Collection method: clinical testing. Allele origin: germline.

ARUP Laboratories, Molecular Genetics and Genomics, ARUP Laboratories
Classification: Uncertain significance. Last evaluated: 2024-01-12. Review status: criteria provided, single submitter. Criteria: ARUP Molecular Germline Variant Investigation Process 2024. Collection method: clinical testing. Allele origin: germline.